The following is an entry in ClinVar:

ClinVar aggregate classification (germline): Uncertain significance (1 of 4 stars; one submission).

Submission:

Labcorp Genetics (formerly Invitae), Labcorp
Classification: Uncertain significance. Last evaluated: 2022-08-09. Review status: criteria provided, single submitter. Criteria: Invitae Variant Classification Sherloc (09022015). Collection method: clinical testing. Allele origin: germline.
Comment: In summary, the available evidence is currently insufficient to determine the role of this variant in disease. Therefore, it has been classified as a Variant of Uncertain Significance. Algorithms developed to predict the effect of missense changes on protein structure and function (SIFT, PolyPhen-2, Align-GVGD) all suggest that this variant is likely to be disruptive. This variant has not been reported in the literature in individuals affected with RIMS1-related conditions. This variant is not present in population databases (gnomAD no frequency). This sequence change replaces glutamine, which is neutral and polar, with arginine, which is basic and polar, at codon 1368 of the RIMS1 protein (p.Gln1368Arg).

NM_014989.7(RIMS1):c.4103A>G (p.Gln1368Arg)

Gene: RIMS1 (regulating synaptic membrane exocytosis 1; plus strand). Cytogenetic location: 6q13.
Variant type: single nucleotide variant.
Coding change: c.4103A>G on transcript NM_014989.7 (MANE Select); coding-DNA position 4103, A replaced by G.
Protein change: p.Gln1368Arg; replaces glutamine 1368 with arginine.
Molecular consequence: missense variant. On other transcripts: intron variant (24).
Genome position (GRCh38, 1-based): chr6:72,313,645, A>G. VCF-style: chr6-72313645-A-G. GRCh37 (hg19) VCF-style: chr6-73023348-A-G.
Other names: c.2249A>G, p.Gln750Arg (NM_001350446.2); c.1910A>G, p.Gln637Arg (NM_001350447.2); c.2066A>G, p.Gln689Arg (NM_001350448.2); c.1973A>G, p.Gln658Arg (NM_001350454.2); c.2246A>G, p.Gln749Arg (NM_001350456.2); c.2003A>G, p.Gln668Arg (NM_001350457.2); c.2072A>G, p.Gln691Arg (NM_001350458.2); c.1925A>G, p.Gln642Arg (NM_001350459.2); and 51 more; short protein forms Q1368R, Q532R, Q557R, Q583R, Q584R, Q594R, Q599R, Q607R.
Identifiers: ClinVar variation 1715945 (VCV001715945.5), dbSNP rs2552197837, ClinGen allele CA364691198.